The following is an entry in ClinVar:

ClinVar aggregate classification (germline): Uncertain significance. Review status: criteria provided, multiple submitters, no conflicts (2 of 4 stars). 2 submissions from 2 submitters: Uncertain significance (2). Last evaluated 2025-11-29.

Conditions:
Microcephaly, normal intelligence and immunodeficiency (NBS). Also called: BERLIN BREAKAGE SYNDROME; SEEMANOVA SYNDROME II; Immunodeficiency, microcephaly with normal intelligence; Nijmegen breakage syndrome; Microcephaly with normal intelligence immunodeficiency and lymphoreticular malignancies; Nonsyndromal microcephaly autosomal recessive with normal intelligence. Identifiers: Orphanet 647, MedGen C0398791, MONDO:0009623, OMIM 251260.
Hereditary cancer-predisposing syndrome. Also called: Tumor predisposition; Neoplastic Syndromes, Hereditary; Hereditary Cancer Syndrome; Hereditary neoplastic syndrome. Identifiers: Orphanet 140162, MedGen C0027672, MeSH D009386, MONDO:0015356.

Allele frequency attached by ClinVar (database versions not stated): gnomAD exomes 0.00001.

Submissions (2):

Ambry Genetics
Classification: Uncertain significance for Hereditary cancer-predisposing syndrome. Last evaluated: 2025-11-29. Review status: criteria provided, single submitter. Criteria: Ambry Variant Classification Scheme 2023. Collection method: clinical testing. Allele origin: germline.
Comment: The p.T360A variant (also known as c.1078A>G), located in coding exon 9 of the NBN gene, results from an A to G substitution at nucleotide position 1078. The threonine at codon 360 is replaced by alanine, an amino acid with similar properties. This amino acid position is conserved. In addition, this alteration is predicted to be tolerated by in silico analysis. Since supporting evidence is limited at this time, the clinical significance of this alteration remains unclear.

Labcorp Genetics (formerly Invitae), Labcorp
Classification: Uncertain significance for Microcephaly, normal intelligence and immunodeficiency. Last evaluated: 2020-02-24. Review status: criteria provided, single submitter. Criteria: Invitae Variant Classification Sherloc (09022015). Collection method: clinical testing. Allele origin: germline.
Comment: This sequence change replaces threonine with alanine at codon 360 of the NBN protein (p.Thr360Ala). The threonine residue is weakly conserved and there is a small physicochemical difference between threonine and alanine. This variant is not present in population databases (ExAC no frequency). Algorithms developed to predict the effect of missense changes on protein structure and function output the following: SIFT: "Tolerated"; PolyPhen-2: "Benign"; Align-GVGD: "Class C0". The alanine amino acid residue is found in multiple mammalian species, suggesting that this missense change does not adversely affect protein function. These predictions have not been confirmed by published functional studies and their clinical significance is uncertain. This variant has not been reported in the literature in individuals with NBN-related conditions. In summary, the available evidence is currently insufficient to determine the role of this variant in disease. Therefore, it has been classified as a Variant of Uncertain Significance.

NM_002485.5(NBN):c.1078A>G (p.Thr360Ala)

Gene: NBN (nibrin; minus strand). Cytogenetic location: 8q21.3.
Variant type: single nucleotide variant.
Coding change: c.1078A>G on transcript NM_002485.5 (MANE Select); coding-DNA position 1078, A replaced by G.
Protein change: p.Thr360Ala; replaces threonine 360 with alanine.
Molecular consequence: missense variant.
Genome position (GRCh38, 1-based): chr8:89,958,771, T>C on the plus strand (A>G on the coding strand, the complement: NBN is on the minus strand). VCF-style: chr8-89958771-T-C. GRCh37 (hg19) VCF-style: chr8-90970999-T-C.
Other names: c.832A>G, p.Thr278Ala (NM_001024688.3); short protein forms T278A, T360A.
Identifiers: ClinVar variation 1057806 (VCV001057806.12), dbSNP rs1307700838, ClinGen allele CA371656656.
Genomic context (GRCh38, chr8:89,958,771, plus strand): 5'-TGAAGAAGCTTTACCATGTATCTGCTTGCTCTGATTCTGTGTCAGCTACGTATGTTGTAG[T>C]GTTCACTGGGGCGCTTGGCATTAGTTTTTCATCAACTGACACGCCTTGTGAAAGGCTTGG-3'
Protein context (NP_002476.2, residues 350-370): EKLMPSAPVN[Thr360Ala]TTYVADTESE